The following is an entry in ClinVar:

NM_153717.3(EVC):c.235A>G (p.Thr79Ala)

Gene: EVC (EvC ciliary complex subunit 1; plus strand). Cytogenetic location: 4p16.2.
Variant type: single nucleotide variant.
Coding change: c.235A>G on transcript NM_153717.3 (MANE Select); coding-DNA position 235, A replaced by G.
Protein change: p.Thr79Ala; replaces threonine 79 with alanine.
Molecular consequence: missense variant.
Genome position (GRCh38, 1-based): chr4:5,719,308, A>G. VCF-style: chr4-5719308-A-G. GRCh37 (hg19) VCF-style: chr4-5721035-A-G.
Other names: c.235A>G, p.Thr79Ala (NM_001306090.2, NM_001306092.2); short protein forms T79A.
Identifiers: ClinVar variation 1957180 (VCV001957180.2), dbSNP rs2474375311, ClinGen allele CA356158253.

ClinVar aggregate classification (germline): Uncertain significance (1 of 4 stars; one submission).

Conditions:
Ellis-van Creveld syndrome (EVC). Also called: EVC-Related Ellis-van Creveld Syndrome; EVC2-Related Ellis-van Creveld Syndrome; MESOECTODERMAL DYSPLASIA; Chondroectodermal dysplasia. Identifiers: Orphanet 289, MedGen C0013903, MONDO:0009162, OMIM 225500.
Curry-Hall syndrome (WAD). Also called: WEYERS ACRODENTAL DYSOSTOSIS. Identifiers: Orphanet 952, MedGen C0457013, MONDO:0008673, OMIM 193530.

Submission:

Labcorp Genetics (formerly Invitae), Labcorp
Classification: Uncertain significance for Curry-Hall syndrome; Ellis-van Creveld syndrome. Last evaluated: 2022-03-20. Review status: criteria provided, single submitter. Criteria: Invitae Variant Classification Sherloc (09022015). Collection method: clinical testing. Allele origin: germline.
Comment: This sequence change replaces threonine, which is neutral and polar, with alanine, which is neutral and non-polar, at codon 79 of the EVC protein (p.Thr79Ala). This variant is not present in population databases (gnomAD no frequency). This variant has not been reported in the literature in individuals affected with EVC-related conditions. Algorithms developed to predict the effect of missense changes on protein structure and function output the following: SIFT: "Tolerated"; PolyPhen-2: "Benign"; Align-GVGD: "Class C0". The alanine amino acid residue is found in multiple mammalian species, which suggests that this missense change does not adversely affect protein function. In summary, the available evidence is currently insufficient to determine the role of this variant in disease. Therefore, it has been classified as a Variant of Uncertain Significance.